The following is an entry in ClinVar:

NC_000001.11:g.206773062T>G

Genes: IL10 (interleukin 10; minus strand), IL19 (interleukin 19; plus strand). Cytogenetic location: 1q32.1.
Variant type: single nucleotide variant.
Molecular consequence: intron variant (on NM_153758.5).
Genome position: GRCh38 VCF-style: chr1-206773062-T-G. GRCh37 (hg19) VCF-style: chr1-206946407-T-G.
Other names: -592C-A; c.-149+1984T>G (NM_153758.5); c.-149+2232T>G (NM_001393490.1).
Identifiers: ClinVar variation 16873 (VCV000016873.11), dbSNP rs1800872, ClinGen allele CA10699290.
Genomic context (GRCh38, chr1:206,773,062, plus strand): 5'-TATCCTCAAAGTTCCCAAGCAGCCCTTCCATTTTACTTTCCAGAGACTGGCTTCCTACAG[T>G]ACAGGCGGGGTCACAGGATGTGTTCCAGGCTCCTTTACCCCGATTTCATTAGGATTCTCA-3'

ClinVar aggregate classification (germline): Benign. Review status: criteria provided, multiple submitters, no conflicts (2 of 4 stars). 5 submissions from 4 submitters: Benign (2). 3 of the submissions do not count toward it. Last evaluated 2026-01-26.

Conditions:
Inflammatory bowel disease. Identifiers: Orphanet 104012, MedGen C0021390, MONDO:0005265.
Graft-versus-host disease, resistance to. Identifiers: MedGen C3280678.
Susceptibility to HIV infection. Also called: HUMAN IMMUNODEFICIENCY VIRUS TYPE 1, RESISTANCE TO; HIV-1, SUSCEPTIBILITY TO; Human immunodeficiency virus type 1, susceptibility to. Identifiers: MedGen C1836230, MONDO:0004951, OMIM 609423.
Cholangiocarcinoma. Identifiers: Orphanet 70567, MedGen C0206698, MeSH D018281, MONDO:0019087, HP:0030153.

Allele frequency attached by ClinVar (database versions not stated): 1000 Genomes Project 0.56510; 1000 Genomes Project 30x 0.57183; TOPMed 0.67425; gnomAD 0.68624 and 0.69428.
gnomAD v4.1: 104,356 of 152,058 alleles (69%); highest among the groups gnomAD compares: Non-Finnish European, 77%; 36,716 homozygotes.

Submissions (5):

Labcorp Genetics (formerly Invitae), Labcorp
Classification: Benign for Inflammatory bowel disease. Last evaluated: 2026-01-26. Review status: criteria provided, single submitter. Criteria: Invitae Variant Classification Sherloc (09022015). Collection method: clinical testing. Allele origin: germline.

Breakthrough Genomics
Classification: Benign. Review status: criteria provided, single submitter. Criteria: ACMG Guidelines, 2015. Collection method: not provided. Allele origin: germline. Inheritance: Unknown mechanism. Affected: yes.

Department of Surgery, Campus Charité Mitte | Campus Virchow-klinikum, Charite-Universitaetsmedizin Berlin
Classification: other for Cholangiocarcinoma. Last evaluated: 2022-12-10. Review status: no assertion criteria provided. Collection method: research. Allele origin: germline. Affected: yes. Not counted in ClinVar's aggregate classification.
Comment: No association with disease-free or overall survival after resection of intrahepatic Cholangiocarcinoma

OMIM
Classification: protective for GRAFT-VERSUS-HOST DISEASE, RESISTANCE TO. Last evaluated: 2003-12-04. Review status: no assertion criteria provided. Collection method: literature only. Allele origin: germline. Not counted in ClinVar's aggregate classification.

OMIM
Classification: risk factor for HUMAN IMMUNODEFICIENCY VIRUS TYPE 1, SUSCEPTIBILITY TO. Last evaluated: 2003-12-04. Review status: flagged submission. Collection method: literature only. Allele origin: germline. Not counted in ClinVar's aggregate classification.
ClinVar note: Reason: Claim with insufficient supporting evidence

Literature cited by the submitters: PubMed 18550579 (cited by Department of Surgery, Campus Charité Mitte | Campus Virchow-klinikum, Charite-Universitaetsmedizin Berlin); PubMed 11121048 (cited by OMIM); PubMed 14657427 (cited by OMIM); PubMed 14657422 (cited by OMIM).